The following is an entry in ClinVar:

NC_000006.11:g.(?_80816411)_(80837361_?)del

Gene: BCKDHB (branched chain keto acid dehydrogenase E1 subunit beta; plus strand). Cytogenetic location: 6q14.1.
Variant type: Deletion.
Identifiers: ClinVar variation 3245951 (VCV003245951.1).

ClinVar aggregate classification (germline): Pathogenic (1 of 4 stars; one submission).

Conditions:
Maple syrup urine disease (MSUD). Identifiers: Orphanet 511, MedGen C0024776, MeSH D008375, MONDO:0009563. Disease mechanism: loss of function.

Submission:

Labcorp Genetics (formerly Invitae), Labcorp
Classification: Pathogenic for Maple syrup urine disease. Last evaluated: 2023-05-30. Review status: criteria provided, single submitter. Criteria: Invitae Variant Classification Sherloc (09022015). Collection method: clinical testing. Allele origin: unknown.
Comment: For these reasons, this variant has been classified as Pathogenic. This variant has not been reported in the literature in individuals affected with BCKDHB-related conditions. This variant is a gross deletion of the genomic region encompassing exon(s) 1-2 of the BCKDHB gene, which includes the initiator codon. This deletion extends beyond the assayed region for this gene and therefore may encompass additional genes. It is expected to result in an absent or disrupted protein product. Loss-of-function variants in BCKDHB are known to be pathogenic (PMID: 16786533, 22593002).

Literature cited by the submitters: PubMed 16786533; PubMed 22593002.